The following is an entry in ClinVar:

ClinVar aggregate classification (germline): Uncertain significance (1 of 4 stars; one submission).

Submission:

Labcorp Genetics (formerly Invitae), Labcorp
Classification: Uncertain significance. Last evaluated: 2025-08-14. Review status: criteria provided, single submitter. Criteria: Invitae Variant Classification Sherloc (09022015). Collection method: clinical testing. Allele origin: germline.
Comment: This sequence change replaces leucine, which is neutral and non-polar, with proline, which is neutral and non-polar, at codon 549 of the CACNA2D4 protein (p.Leu549Pro). This variant is not present in population databases (gnomAD no frequency). This variant has not been reported in the literature in individuals affected with CACNA2D4-related conditions. An algorithm developed to predict the effect of missense changes on protein structure and function (PolyPhen-2) suggests that this variant is likely to be disruptive. In summary, the available evidence is currently insufficient to determine the role of this variant in disease. Therefore, it has been classified as a Variant of Uncertain Significance.

NM_172364.5(CACNA2D4):c.1646T>C (p.Leu549Pro)

Gene: CACNA2D4 (calcium voltage-gated channel auxiliary subunit alpha2delta 4; minus strand). Cytogenetic location: 12p13.33.
Variant type: single nucleotide variant.
Coding change: c.1646T>C on transcript NM_172364.5 (MANE Select); coding-DNA position 1646, T replaced by C.
Protein change: p.Leu549Pro; replaces leucine 549 with proline.
Molecular consequence: missense variant.
Genome position (GRCh38, 1-based): chr12:1,878,388, A>G on the plus strand (T>C on the coding strand, the complement: CACNA2D4 is on the minus strand). VCF-style: chr12-1878388-A-G. GRCh37 (hg19) VCF-style: chr12-1987554-A-G.
Other names: short protein forms L549P.
Identifiers: ClinVar variation 4762048 (VCV004762048.1).